The following is an entry in ClinVar:

NM_172107.4(KCNQ2):c.1631+6G>A

Gene: KCNQ2 (potassium voltage-gated channel subfamily Q member 2; minus strand). Cytogenetic location: 20q13.33.
Variant type: single nucleotide variant.
Coding change: c.1631+6G>A on transcript NM_172107.4 (MANE Select); 6 bases into the intron after coding-DNA position 1631, G replaced by A.
Molecular consequence: intron variant.
Genome position (GRCh38, 1-based): chr20:63,414,082, C>T on the plus strand (G>A on the coding strand, the complement: KCNQ2 is on the minus strand). VCF-style: chr20-63414082-C-T. GRCh37 (hg19) VCF-style: chr20-62045435-C-T.
Other names: c.1544+6G>A (NM_001439004.1); c.1547+6G>A (NM_004518.6); c.1538+6G>A (NM_172108.5); c.1574+6G>A (NM_001439003.1); c.1577+6G>A (NM_172106.3, NM_001382235.1).
Identifiers: ClinVar variation 4799116 (VCV004799116.1).

ClinVar aggregate classification (germline): Uncertain significance (1 of 4 stars; one submission).

Conditions:
Early-infantile DEE. Also called: Ohtahara syndrome; Early infantile epileptic encephalopathy; Early infantile epileptic encephalopathy with suppression bursts. Identifiers: Orphanet 1934, MedGen C0393706, MONDO:0800491.

gnomAD v4.1: 1 of 1,609,792 alleles (0.000062%); highest among the groups gnomAD compares: Non-Finnish European, 0.000085%; no homozygotes.

Submission:

Labcorp Genetics (formerly Invitae), Labcorp
Classification: Uncertain significance for Early-infantile DEE. Last evaluated: 2025-03-16. Review status: criteria provided, single submitter. Criteria: Invitae Variant Classification Sherloc (09022015). Collection method: clinical testing. Allele origin: germline.
Comment: This sequence change falls in intron 14 of the KCNQ2 gene. It does not directly change the encoded amino acid sequence of the KCNQ2 protein. It affects a nucleotide within the consensus splice site. This variant is not present in population databases (gnomAD no frequency). This variant has not been reported in the literature in individuals affected with KCNQ2-related conditions. Variants that disrupt the consensus splice site are a relatively common cause of aberrant splicing (PMID: 17576681, 9536098). Algorithms developed to predict the effect of sequence changes on RNA splicing suggest that this variant is not likely to affect RNA splicing. In summary, the available evidence is currently insufficient to determine the role of this variant in disease. Therefore, it has been classified as a Variant of Uncertain Significance.

Literature cited by the submitters: PubMed 17576681; PubMed 9536098.